The following is an entry in ClinVar:

NM_007118.4(TRIO):c.6069C>T (p.Tyr2023=)

Gene: TRIO (trio Rho guanine nucleotide exchange factor; plus strand). Cytogenetic location: 5p15.2.
Variant type: single nucleotide variant.
Coding change: c.6069C>T on transcript NM_007118.4 (MANE Select); coding-DNA position 6069, C replaced by T.
Protein change: p.Tyr2023=; no amino-acid change (tyrosine 2023 retained).
Molecular consequence: synonymous variant. On other transcripts: non-coding transcript variant (1).
Genome position (GRCh38, 1-based): chr5:14,474,083, C>T. VCF-style: chr5-14474083-C-T. GRCh37 (hg19) VCF-style: chr5-14474192-C-T.
Identifiers: ClinVar variation 2655334 (VCV002655334.24), dbSNP rs773566784, ClinGen allele CA3206943.

ClinVar aggregate classification (germline): Likely benign (1 of 4 stars; one submission).

Allele frequency attached by ClinVar (database versions not stated): TOPMed 0.00001; ExAC 0.00002; gnomAD 0.00003; gnomAD exomes 0.00003.
gnomAD v4.1: 45 of 1,613,004 alleles (0.0028%); highest among the groups gnomAD compares: East Asian, 0.013%; no homozygotes.

Submission:

CeGaT Center for Human Genetics Tuebingen
Classification: Likely benign. Last evaluated: 2023-02-01. Review status: criteria provided, single submitter. Criteria: CeGaT Center For Human Genetics Tuebingen Variant Classification Criteria Version 2. Collection method: clinical testing. Allele origin: germline. Affected: yes. Observed: 1 variant allele.
Comment: TRIO: BP4, BP7